The following is an entry in ClinVar:

NM_014339.7(IL17RA):c.1747G>C (p.Asp583His)

Gene: IL17RA (interleukin 17 receptor A; plus strand). Cytogenetic location: 22q11.1.
Variant type: single nucleotide variant.
Coding change: c.1747G>C on transcript NM_014339.7 (MANE Select); coding-DNA position 1747, G replaced by C.
Protein change: p.Asp583His; replaces aspartic acid 583 with histidine.
Molecular consequence: missense variant.
Genome position (GRCh38, 1-based): chr22:17,108,966, G>C. VCF-style: chr22-17108966-G-C. GRCh37 (hg19) VCF-style: chr22-17589856-G-C.
Other names: p.Asp583His; c.1645G>C, p.Asp549His (NM_001289905.2); short protein forms D549H, D583H.
Identifiers: ClinVar variation 791678 (VCV000791678.16), dbSNP rs41432148, ClinGen allele CA10086846.

ClinVar aggregate classification (germline): Benign/Likely benign. Review status: criteria provided, multiple submitters, no conflicts (2 of 4 stars). 4 submissions from 4 submitters: Benign (3); Likely benign (1). Last evaluated 2026-02-02.

Conditions:
Immunodeficiency 51 (IMD51). Also called: CANDIDIASIS, FAMILIAL, 5. Identifiers: Orphanet 1334, MedGen C4310803, MONDO:0013500, OMIM 613953.

Allele frequency attached by ClinVar (database versions not stated): ESP Exome Variant Server 0.00285; 1000 Genomes Project 30x 0.00312; gnomAD 0.00354 and 0.00389; 1000 Genomes Project 0.00379; TOPMed 0.00396.
gnomAD v4.1: 1,082 of 1,605,584 alleles (0.067%); highest among the groups gnomAD compares: African/African-American, 1.3%; 4 homozygotes.

Submissions (4):

Labcorp Genetics (formerly Invitae), Labcorp
Classification: Benign for Immunodeficiency 51. Last evaluated: 2026-02-02. Review status: criteria provided, single submitter. Criteria: Invitae Variant Classification Sherloc (09022015). Collection method: clinical testing. Allele origin: germline.

Blueprint Genetics
Classification: Likely benign. Last evaluated: 2024-11-12. Review status: criteria provided, single submitter. Criteria: ACMG Guidelines, 2015. Collection method: clinical testing. Allele origin: germline.

Mayo Clinic Laboratories, Mayo Clinic
Classification: Benign. Last evaluated: 2024-04-04. Review status: criteria provided, single submitter. Criteria: ACMG Guidelines, 2015. Collection method: clinical testing. Allele origin: germline. Observed: 2 variant alleles.
Comment: BS1, BS2, BP4

Illumina Laboratory Services, Illumina
Classification: Benign for Immunodeficiency 51. Last evaluated: 2018-01-13. Review status: criteria provided, single submitter. Criteria: ICSL Variant Classification Criteria 13 December 2019. Collection method: clinical testing. Allele origin: germline.
Comment: This variant was observed in the ICSL laboratory as part of a predisposition screen in an ostensibly healthy population. It had not been previously curated by ICSL or reported in the Human Gene Mutation Database (HGMD: prior to June 1st, 2018), and was therefore a candidate for classification through an automated scoring system. Utilizing variant allele frequency, disease prevalence and penetrance estimates, and inheritance mode, an automated score was calculated to assess if this variant is too frequent to cause the disease. Based on the score and internal cut-off values, a variant classified as benign is not then subjected to further curation. The score for this variant resulted in a classification of benign for this disease.